The following is an entry in ClinVar:

ClinVar aggregate classification (germline): Uncertain significance. Review status: criteria provided, multiple submitters, no conflicts (2 of 4 stars). 2 submissions from 2 submitters: Uncertain significance (2). Last evaluated 2025-11-09.

Allele frequency attached by ClinVar (database versions not stated): gnomAD 0.00022; gnomAD exomes 0.00003; ExAC 0.00006; ESP Exome Variant Server 0.00008.
gnomAD v4.1: 77 of 1,614,094 alleles (0.0048%); highest among the groups gnomAD compares: African/African-American, 0.067%; no homozygotes.

Submissions (2):

Labcorp Genetics (formerly Invitae), Labcorp
Classification: Uncertain significance. Last evaluated: 2025-11-09. Review status: criteria provided, single submitter. Criteria: Invitae Variant Classification Sherloc (09022015). Collection method: clinical testing. Allele origin: germline.
Comment: This sequence change replaces alanine, which is neutral and non-polar, with threonine, which is neutral and polar, at codon 432 of the ESR2 protein (p.Ala432Thr). This variant is present in population databases (rs377196538, gnomAD 0.08%), and has an allele count higher than expected for a pathogenic variant. This variant has not been reported in the literature in individuals affected with ESR2-related conditions. ClinVar contains an entry for this variant (Variation ID: 3090535). Invitae Evidence Modeling of protein sequence and biophysical properties (such as structural, functional, and spatial information, amino acid conservation, physicochemical variation, residue mobility, and thermodynamic stability) indicates that this missense variant is not expected to disrupt ESR2 protein function with a negative predictive value of 80%. In summary, the available evidence is currently insufficient to determine the role of this variant in disease. Therefore, it has been classified as a Variant of Uncertain Significance.

Ambry Genetics
Classification: Uncertain significance. Last evaluated: 2023-12-12. Review status: criteria provided, single submitter. Criteria: Ambry Variant Classification Scheme 2023. Collection method: clinical testing. Allele origin: germline.

NM_001437.3(ESR2):c.1294G>A (p.Ala432Thr)

Gene: ESR2 (estrogen receptor 2; minus strand). Cytogenetic location: 14q23.2.
Variant type: single nucleotide variant.
Coding change: c.1294G>A on transcript NM_001437.3 (MANE Select); coding-DNA position 1294, G replaced by A.
Protein change: p.Ala432Thr; replaces alanine 432 with threonine.
Molecular consequence: missense variant. On other transcripts: non-coding transcript variant (2).
Genome position (GRCh38, 1-based): chr14:64,235,082, C>T on the plus strand (G>A on the coding strand, the complement: ESR2 is on the minus strand). VCF-style: chr14-64235082-C-T. GRCh37 (hg19) VCF-style: chr14-64701800-C-T.
Other names: c.1294G>A, p.Ala432Thr (NM_001040275.1, NM_001214902.1, NM_001271876.1 and 2 more transcripts); c.1021G>A, p.Ala341Thr (NM_001271877.1); short protein forms A341T, A432T.
Identifiers: ClinVar variation 3090535 (VCV003090535.3), dbSNP rs377196538, ClinGen allele CA7225241.